The following is an entry in ClinVar:

ClinVar aggregate classification (germline): Uncertain significance (1 of 4 stars; one submission).

Conditions:
Migraine, familial hemiplegic, 2. Identifiers: Orphanet 569, MedGen C1865322, MONDO:0011232, OMIM 602481.

Submission:

MGZ Medical Genetics Center
Classification: Uncertain significance for Migraine, familial hemiplegic, 2. Last evaluated: 2022-05-18. Review status: criteria provided, single submitter. Criteria: ACMG Guidelines, 2015. Collection method: clinical testing. Allele origin: germline. Affected: yes. Observed: 1 variant allele.
Comment: ACMG criteria applied: PM2_SUP, PP2, PP3

NM_000702.4(ATP1A2):c.2158C>T (p.Pro720Ser)

Gene: ATP1A2 (ATPase Na+/K+ transporting subunit alpha 2; plus strand). Cytogenetic location: 1q23.2.
Variant type: single nucleotide variant.
Coding change: c.2158C>T on transcript NM_000702.4 (MANE Select); coding-DNA position 2158, C replaced by T.
Protein change: p.Pro720Ser; replaces proline 720 with serine.
Molecular consequence: missense variant.
Genome position (GRCh38, 1-based): chr1:160,135,476, C>T. VCF-style: chr1-160135476-C-T. GRCh37 (hg19) VCF-style: chr1-160105266-C-T.
Other names: short protein forms P720S.
Identifiers: ClinVar variation 1709000 (VCV001709000.2), dbSNP rs1651908229, ClinGen allele CA343248976.
Genomic context (GRCh38, chr1:160,135,476, plus strand): 5'-TGGCCGTCTTCCCTCCAGGGAGCCATTGTGGCCGTGACGGGTGACGGGGTGAACGACTCC[C>T]CTGCATTGAAGAAGGCTGACATTGGCATTGCCATGGGCATCTCTGGCTCTGACGTCTCTA-3'
Protein context (NP_000693.1, residues 710-730): AVTGDGVNDS[Pro720Ser]ALKKADIGIA